The following is an entry in ClinVar:

ClinVar aggregate classification (germline): Likely benign. Review status: criteria provided, multiple submitters, no conflicts (2 of 4 stars). 6 submissions from 4 submitters: Likely benign (6). Last evaluated 2026-04-24.

Conditions:
Retinitis pigmentosa 12 (RP12). Also called: RP WITH OR WITHOUT PPRPE; RETINITIS PIGMENTOSA WITH OR WITHOUT PARAARTERIOLAR PRESERVATION OF RETINAL PIGMENT EPITHELIUM; RP WITH OR WITHOUT PRESERVED PARAARTERIOLE RETINAL PIGMENT EPITHELIUM. Identifiers: Orphanet 791, MedGen C1838647, MONDO:0010818, OMIM 600105.
Leber congenital amaurosis 8 (LCA8). Identifiers: Orphanet 65, MedGen C3151202, MONDO:0013453, OMIM 613835.
CRB1-related disorder. Also called: CRB1-related disorders; CRB1-related condition.
Pigmented paravenous retinochoroidal atrophy. Identifiers: Orphanet 251295, MedGen C1868310, MONDO:0008246, OMIM 172870.

Allele frequency attached by ClinVar (database versions not stated): ExAC 0.00001; gnomAD exomes 0.00001; TOPMed 0.00001.
gnomAD v4.1: 11 of 1,613,918 alleles (0.00068%); highest among the groups gnomAD compares: Non-Finnish European, 0.00076%; no homozygotes.

Submissions (6):

PreventionGenetics, part of Exact Sciences
Classification: Likely benign for CRB1-related condition. Last evaluated: 2026-04-24. Review status: criteria provided, single submitter. Criteria: ACMG Guidelines, 2015. Collection method: clinical testing. Allele origin: germline.
Comment: This variant is classified as likely benign based on ACMG/AMP sequence variant interpretation guidelines (Richards et al. 2015 PMID: 25741868, with internal and published modifications).

Labcorp Genetics (formerly Invitae), Labcorp
Classification: Likely benign for Leber congenital amaurosis 8; Retinitis pigmentosa 12. Last evaluated: 2023-11-06. Review status: criteria provided, single submitter. Criteria: Invitae Variant Classification Sherloc (09022015). Collection method: clinical testing. Allele origin: germline.

Genome-Nilou Lab
Classification: Likely benign for Leber congenital amaurosis 8. Last evaluated: 2023-04-11. Review status: criteria provided, single submitter. Criteria: ACMG Guidelines, 2015. Collection method: clinical testing. Allele origin: germline. Affected: no.

Genome-Nilou Lab
Classification: Likely benign for Pigmented paravenous retinochoroidal atrophy. Last evaluated: 2023-04-11. Review status: criteria provided, single submitter. Criteria: ACMG Guidelines, 2015. Collection method: clinical testing. Allele origin: germline. Affected: no.

Genome-Nilou Lab
Classification: Likely benign for Retinitis pigmentosa 12. Last evaluated: 2023-04-11. Review status: criteria provided, single submitter. Criteria: ACMG Guidelines, 2015. Collection method: clinical testing. Allele origin: germline. Affected: no.

ARUP Laboratories, Molecular Genetics and Genomics, ARUP Laboratories
Classification: Likely benign. Last evaluated: 2018-10-08. Review status: criteria provided, single submitter. Criteria: ARUP Molecular Germline Variant Investigation Process. Collection method: clinical testing. Allele origin: germline.

NM_201253.3(CRB1):c.4074C>T (p.Ile1358=)

Gene: CRB1 (crumbs cell polarity complex component 1; plus strand). Cytogenetic location: 1q31.3.
Variant type: single nucleotide variant.
Coding change: c.4074C>T on transcript NM_201253.3 (MANE Select); coding-DNA position 4074, C replaced by T.
Protein change: p.Ile1358=; no amino-acid change (isoleucine 1358 retained).
Molecular consequence: synonymous variant. On other transcripts: non-coding transcript variant (2).
Genome position (GRCh38, 1-based): chr1:197,477,732, C>T. VCF-style: chr1-197477732-C-T. GRCh37 (hg19) VCF-style: chr1-197446862-C-T.
Other names: c.3738C>T, p.Ile1246= (NM_001193640.2); c.4002C>T, p.Ile1334= (NM_001257965.2); c.2466C>T, p.Ile822= (NM_001257966.2); c.4074C>T (NM_201253.2).
Identifiers: ClinVar variation 810957 (VCV000810957.19), dbSNP rs753097155, ClinGen allele CA1312551.